The following is an entry in ClinVar:

NM_001366418.1(SETDB1):c.1662C>A (p.Gly554=)

Gene: SETDB1 (SET domain bifurcated histone lysine methyltransferase 1; plus strand). Cytogenetic location: 1q21.3.
Variant type: single nucleotide variant.
Coding change: c.1662C>A on transcript NM_001366418.1 (MANE Select); coding-DNA position 1662, C replaced by A.
Protein change: p.Gly554=; no amino-acid change (glycine 554 retained).
Molecular consequence: synonymous variant. On other transcripts: non-coding transcript variant (1).
Genome position (GRCh38, 1-based): chr1:150,950,536, C>A. VCF-style: chr1-150950536-C-A. GRCh37 (hg19) VCF-style: chr1-150923012-C-A.
Other names: c.1659C>A, p.Gly553= (NM_001145415.2, NM_001393960.1, NM_012432.4); c.1662C>A, p.Gly554= (NM_001366417.1, NM_001393958.1, NM_001393959.1 and 1 more transcripts).
Identifiers: ClinVar variation 3905323 (VCV003905323.10).

ClinVar aggregate classification (germline): Likely benign (1 of 4 stars; one submission).

Submission:

CeGaT Center for Human Genetics Tuebingen
Classification: Likely benign. Last evaluated: 2025-06-01. Review status: criteria provided, single submitter. Criteria: CeGaT Center For Human Genetics Tuebingen Variant Classification Criteria Version 2. Collection method: clinical testing. Allele origin: germline. Affected: yes. Observed: 1 variant allele.
Comment: SETDB1: PM2:Supporting, BP4, BP7